The following is an entry in ClinVar:

NM_014780.5(CUL7):c.1372G>A (p.Ala458Thr)

Gene: CUL7 (cullin 7; minus strand). Cytogenetic location: 6p21.1.
Variant type: single nucleotide variant.
Coding change: c.1372G>A on transcript NM_014780.5 (MANE Select); coding-DNA position 1372, G replaced by A.
Protein change: p.Ala458Thr; replaces alanine 458 with threonine.
Molecular consequence: missense variant.
Genome position (GRCh38, 1-based): chr6:43,050,260, C>T on the plus strand (G>A on the coding strand, the complement: CUL7 is on the minus strand). VCF-style: chr6-43050260-C-T. GRCh37 (hg19) VCF-style: chr6-43017998-C-T.
Other names: c.1468G>A, p.Ala490Thr (NM_001168370.2, NM_001374872.1); c.1372G>A, p.Ala458Thr (NM_001374873.1, NM_001374874.1); short protein forms A458T, A490T.
Identifiers: ClinVar variation 1014702 (VCV001014702.8), dbSNP rs779961392, ClinGen allele CA3814164.

ClinVar aggregate classification (germline): Uncertain significance (1 of 4 stars; one submission).

Allele frequency attached by ClinVar (database versions not stated): gnomAD 0.00001 and 0.00003; gnomAD exomes 0.00001 and 0.00002; ExAC 0.00003.
gnomAD v4.1: 24 of 1,614,178 alleles (0.0015%); highest among the groups gnomAD compares: South Asian, 0.022%; no homozygotes.

Submission:

Labcorp Genetics (formerly Invitae), Labcorp
Classification: Uncertain significance. Last evaluated: 2020-05-20. Review status: criteria provided, single submitter. Criteria: Invitae Variant Classification Sherloc (09022015). Collection method: clinical testing. Allele origin: germline.
Comment: This sequence change replaces alanine with threonine at codon 458 of the CUL7 protein (p.Ala458Thr). The alanine residue is moderately conserved and there is a small physicochemical difference between alanine and threonine. This variant also falls at the last nucleotide of exon 5 of the CUL7 coding sequence, which is part of the consensus splice site for this exon. This variant is present in population databases (rs779961392, ExAC 0.02%). In summary, the available evidence is currently insufficient to determine the role of this variant in disease. Therefore, it has been classified as a Variant of Uncertain Significance. Nucleotide substitutions within the consensus splice site are a relatively common cause of aberrant splicing (PMID: 17576681, 9536098). Algorithms developed to predict the effect of sequence changes on RNA splicing suggest that this variant may disrupt the consensus splice site, but this prediction has not been confirmed by published transcriptional studies. Algorithms developed to predict the effect of missense changes on protein structure and function (SIFT, PolyPhen-2, Align-GVGD) all suggest that this variant is likely to be tolerated, but these predictions have not been confirmed by published functional studies and their clinical significance is uncertain. This variant has not been reported in the literature in individuals with CUL7-related conditions.

Literature cited by the submitters: PubMed 17576681; PubMed 9536098.